The following is an entry in ClinVar:

ClinVar aggregate classification (germline): Pathogenic/Likely pathogenic. Review status: criteria provided, multiple submitters, no conflicts (2 of 4 stars). 2 submissions from 2 submitters: Pathogenic (1); Likely pathogenic (1). Last evaluated 2025-05-15.

Conditions:
LPL-related disorder. Also called: LPL-related condition.

Submissions (2):

Mayo Clinic Laboratories, Mayo Clinic
Classification: Likely pathogenic. Last evaluated: 2025-05-15. Review status: criteria provided, single submitter. Criteria: ACMG Guidelines, 2015. Collection method: clinical testing. Allele origin: germline. Observed: 1 variant allele.
Comment: PM2_supporting, PVS1

PreventionGenetics, part of Exact Sciences
Classification: Pathogenic for LPL-related condition. Last evaluated: 2025-01-10. Review status: criteria provided, single submitter. Criteria: ACMG Guidelines, 2015. Collection method: clinical testing. Allele origin: germline.
Comment: The LPL c.945T>A variant is predicted to result in premature protein termination (p.Tyr315*). This variant is alternatively referred to as p.Tyr288* using legacy nomenclature, has been reported in the homozygous state in an individual with familial hyperchylomicronemia (Causeret et al. 2001. PubMed ID: 11908140). This variant has also been reported in a cohort study with lipoprotein lipase deficiency (Rodrigues et al. 2015. PubMed ID: 27055971). This variant has not been reported in a large population database (gnomAD), indicating this variant is rare. Nonsense variants in LPL are expected to be pathogenic. This variant is interpreted as pathogenic.

Literature cited by the submitters: PubMed 11908140 (cited by Mayo Clinic Laboratories, Mayo Clinic); PubMed 27055971 (cited by Mayo Clinic Laboratories, Mayo Clinic).

NM_000237.3(LPL):c.945T>A (p.Tyr315Ter)

Gene: LPL (lipoprotein lipase; plus strand). Cytogenetic location: 8p21.3.
Variant type: single nucleotide variant.
Coding change: c.945T>A on transcript NM_000237.3 (MANE Select); coding-DNA position 945, T replaced by A.
Protein change: p.Tyr315Ter; replaces tyrosine 315 with a stop codon.
Molecular consequence: nonsense.
Genome position (GRCh38, 1-based): chr8:19,956,010, T>A. VCF-style: chr8-19956010-T-A. GRCh37 (hg19) VCF-style: chr8-19813521-T-A.
Other names: p.Tyr315*; c.945T>A (NM_000237.2); short protein forms Y315*.
Identifiers: ClinVar variation 4541346 (VCV004541346.2).